The following is an entry in ClinVar:

NM_001127453.2(GSDME):c.178G>A (p.Asp60Asn)

Gene: GSDME (gasdermin E; minus strand). Cytogenetic location: 7p15.3.
Variant type: single nucleotide variant.
Coding change: c.178G>A on transcript NM_001127453.2 (MANE Select); coding-DNA position 178, G replaced by A.
Protein change: p.Asp60Asn; replaces aspartic acid 60 with asparagine.
Molecular consequence: missense variant. On other transcripts: intron variant (1).
Genome position (GRCh38, 1-based): chr7:24,749,597, C>T on the plus strand (G>A on the coding strand, the complement: GSDME is on the minus strand). VCF-style: chr7-24749597-C-T. GRCh37 (hg19) VCF-style: chr7-24789216-C-T.
Other names: c.178G>A, p.Asp60Asn (NM_004403.3); c.-281-4843G>A (NM_001127454.2); c.178G>A (NM_004403.2); short protein forms D60N.
Identifiers: ClinVar variation 1680847 (VCV001680847.9), dbSNP rs370058550, ClinGen allele CA4191831.

ClinVar aggregate classification (germline): Uncertain significance. Review status: criteria provided, multiple submitters, no conflicts (2 of 4 stars). 2 submissions from 2 submitters: Uncertain significance (2). Last evaluated 2025-05-04.

Conditions:
Inborn genetic diseases. Identifiers: MedGen C0950123, MeSH D030342.

Allele frequency attached by ClinVar (database versions not stated): gnomAD exomes below 0.00001 and 0.00001; ExAC 0.00001; gnomAD 0.00004; ESP Exome Variant Server 0.00008.
gnomAD v4.1: 19 of 1,613,598 alleles (0.0012%); highest among the groups gnomAD compares: Middle Eastern, 0.016%; no homozygotes.

Submissions (2):

Ambry Genetics
Classification: Uncertain significance for Inborn genetic diseases. Last evaluated: 2025-05-04. Review status: criteria provided, single submitter. Criteria: Ambry Variant Classification Scheme 2023. Collection method: clinical testing. Allele origin: germline.

Labcorp Genetics (formerly Invitae), Labcorp
Classification: Uncertain significance. Last evaluated: 2023-08-10. Review status: criteria provided, single submitter. Criteria: Invitae Variant Classification Sherloc (09022015). Collection method: clinical testing. Allele origin: germline.
Comment: In summary, the available evidence is currently insufficient to determine the role of this variant in disease. Therefore, it has been classified as a Variant of Uncertain Significance. Advanced modeling of protein sequence and biophysical properties (such as structural, functional, and spatial information, amino acid conservation, physicochemical variation, residue mobility, and thermodynamic stability) performed at Invitae indicates that this missense variant is expected to disrupt DFNA5 protein function. ClinVar contains an entry for this variant (Variation ID: 1680847). This variant has not been reported in the literature in individuals affected with DFNA5-related conditions. This variant is present in population databases (rs370058550, gnomAD 0.004%). This sequence change replaces aspartic acid, which is acidic and polar, with asparagine, which is neutral and polar, at codon 60 of the DFNA5 protein (p.Asp60Asn).